The following is an entry in ClinVar:

NM_001378969.1(KCND3):c.1895C>G (p.Pro632Arg)

Gene: KCND3 (potassium voltage-gated channel subfamily D member 3; minus strand). Cytogenetic location: 1p13.2.
Variant type: single nucleotide variant.
Coding change: c.1895C>G on transcript NM_001378969.1 (MANE Select); coding-DNA position 1895, C replaced by G.
Protein change: p.Pro632Arg; replaces proline 632 with arginine.
Molecular consequence: missense variant.
Genome position (GRCh38, 1-based): chr1:111,776,150, G>C on the plus strand (C>G on the coding strand, the complement: KCND3 is on the minus strand). VCF-style: chr1-111776150-G-C. GRCh37 (hg19) VCF-style: chr1-112318772-G-C.
Other names: c.1838C>G, p.Pro613Arg (NM_001378970.1, NM_172198.3); c.1895C>G, p.Pro632Arg (NM_004980.5); short protein forms P632R, P613R.
Identifiers: ClinVar variation 1782136 (VCV001782136.2), dbSNP rs1261735013, ClinGen allele CA341655223.

ClinVar aggregate classification (germline): Uncertain significance (1 of 4 stars; one submission).

Conditions:
Cardiovascular phenotype. Identifiers: MedGen CN230736.

Submission:

Ambry Genetics
Classification: Uncertain significance for Cardiovascular phenotype. Last evaluated: 2022-10-11. Review status: criteria provided, single submitter. Criteria: Ambry Variant Classification Scheme 2023. Collection method: clinical testing. Allele origin: germline.
Comment: The p.P632R variant (also known as c.1895C>G), located in coding exon 7 of the KCND3 gene, results from a C to G substitution at nucleotide position 1895. The proline at codon 632 is replaced by arginine, an amino acid with dissimilar properties. This amino acid position is conserved. In addition, the in silico prediction for this alteration is inconclusive. Since supporting evidence is limited at this time, the clinical significance of this alteration remains unclear.